The following is an entry in ClinVar:

NM_020631.6(PLEKHG5):c.302+176T>C

Gene: PLEKHG5 (pleckstrin homology and RhoGEF domain containing G5; minus strand). Cytogenetic location: 1p36.31.
Variant type: single nucleotide variant.
Coding change: c.302+176T>C on transcript NM_020631.6 (MANE Select); 176 bases into the intron after coding-DNA position 302, T replaced by C.
Molecular consequence: intron variant.
Genome position (GRCh38, 1-based): chr1:6,474,871, A>G on the plus strand (T>C on the coding strand, the complement: PLEKHG5 is on the minus strand). VCF-style: chr1-6474871-A-G. GRCh37 (hg19) VCF-style: chr1-6534931-A-G.
Other names: c.302+176T>C (NM_198681.4, NM_001265594.3, NM_001042664.2 and 1 more transcripts); c.413+176T>C (NM_001042663.3, NM_001265592.2); c.509+176T>C (NM_001265593.2).
Identifiers: ClinVar variation 673061 (VCV000673061.2), dbSNP rs112653986, ClinGen allele CA17244122.

ClinVar aggregate classification (germline): Benign. Review status: criteria provided, multiple submitters, no conflicts (2 of 4 stars). 2 submissions from 2 submitters: Benign (2). Last evaluated 2018-06-16.

Allele frequency attached by ClinVar (database versions not stated): gnomAD 0.07766 and 0.08278; 1000 Genomes Project 0.08486; TOPMed 0.08579; 1000 Genomes Project 30x 0.09104.

Submissions (2):

GeneDx
Classification: Benign. Last evaluated: 2018-06-16. Review status: criteria provided, single submitter. Criteria: GeneDx Variant Classification (06012015). Collection method: clinical testing. Allele origin: germline. Affected: yes.
Comment: This variant is considered likely benign or benign based on one or more of the following criteria: it is a conservative change, it occurs at a poorly conserved position in the protein, it is predicted to be benign by multiple in silico algorithms, and/or has population frequency not consistent with disease.

Breakthrough Genomics
Classification: Benign. Review status: criteria provided, single submitter. Criteria: ACMG Guidelines, 2015. Collection method: not provided. Allele origin: germline. Inheritance: Autosomal recessive inheritance. Affected: yes.